The following is an entry in ClinVar:

ClinVar aggregate classification (germline): Conflicting classifications of pathogenicity. Review status: criteria provided, conflicting classifications (1 of 4 stars). 5 submissions from 5 submitters: Uncertain significance (1); Benign (1); Likely benign (2). 1 of the submissions does not count toward it. Last evaluated 2026-01-24.

Conditions:
Inborn genetic diseases. Identifiers: MedGen C0950123, MeSH D030342.
CAD-related disorder. Also called: CAD-related condition.

Allele frequency attached by ClinVar (database versions not stated): TOPMed 0.00016; ESP Exome Variant Server 0.00054; gnomAD exomes 0.00060 and 0.00091; gnomAD 0.00073 and 0.00080; ExAC 0.00106.
gnomAD v4.1: 972 of 1,613,256 alleles (0.06%); highest among the groups gnomAD compares: Non-Finnish European, 0.038%; 2 homozygotes.

Submissions (5):

Labcorp Genetics (formerly Invitae), Labcorp
Classification: Benign. Last evaluated: 2026-01-24. Review status: criteria provided, single submitter. Criteria: Invitae Variant Classification Sherloc (09022015). Collection method: clinical testing. Allele origin: germline.

Blueprint Genetics
Classification: Likely benign. Last evaluated: 2024-09-18. Review status: criteria provided, single submitter. Criteria: ACMG Guidelines, 2015. Collection method: clinical testing. Allele origin: germline.

CeGaT Center for Human Genetics Tuebingen
Classification: Uncertain significance. Last evaluated: 2022-11-01. Review status: criteria provided, single submitter. Criteria: CeGaT Center For Human Genetics Tuebingen Variant Classification Criteria Version 2. Collection method: clinical testing. Allele origin: germline. Affected: yes. Observed: 2 variant alleles.
Comment: CAD: PM2

Ambry Genetics
Classification: Likely benign for Inborn genetic diseases. Last evaluated: 2022-05-03. Review status: criteria provided, single submitter. Criteria: Ambry Variant Classification Scheme 2023. Collection method: clinical testing. Allele origin: germline.

PreventionGenetics, part of Exact Sciences
Classification: Likely benign for CAD-related condition. Last evaluated: 2020-07-13. Review status: no assertion criteria provided. Collection method: clinical testing. Allele origin: germline. Not counted in ClinVar's aggregate classification.
Comment: This variant is classified as likely benign based on ACMG/AMP sequence variant interpretation guidelines (Richards et al. 2015 PMID: 25741868, with internal and published modifications).

NM_004341.5(CAD):c.6001G>A (p.Val2001Ile)

Gene: CAD (carbamoyl-phosphate synthetase 2, aspartate transcarbamylase, and dihydroorotase; plus strand). Cytogenetic location: 2p23.3.
Variant type: single nucleotide variant.
Coding change: c.6001G>A on transcript NM_004341.5 (MANE Select); coding-DNA position 6001, G replaced by A.
Protein change: p.Val2001Ile; replaces valine 2001 with isoleucine.
Molecular consequence: missense variant.
Genome position (GRCh38, 1-based): chr2:27,242,028, G>A. VCF-style: chr2-27242028-G-A. GRCh37 (hg19) VCF-style: chr2-27464896-G-A.
Other names: c.5812G>A, p.Val1938Ile (NM_001306079.2); c.6001G>A (NM_004341.3, NM_004341.4); short protein forms V1938I, V2001I.
Identifiers: ClinVar variation 808715 (VCV000808715.50), dbSNP rs144801319, ClinGen allele CA1574083.